The following is an entry in ClinVar:

ClinVar aggregate classification (germline): Likely benign. Review status: criteria provided, multiple submitters, no conflicts (2 of 4 stars). 4 submissions from 4 submitters: Likely benign (3). 1 of the submissions does not count toward it. Last evaluated 2026-05-01.

Conditions:
MED13-related disorder. Also called: MED13-related condition.

Allele frequency attached by ClinVar (database versions not stated): ESP Exome Variant Server 0.00017; ExAC 0.00047; gnomAD exomes 0.00061 and 0.00077; TOPMed 0.00063; gnomAD 0.00068 and 0.00076; 1000 Genomes Project 0.00220; 1000 Genomes Project 30x 0.00281.
gnomAD v4.1: 1,216 of 1,614,054 alleles (0.075%); highest among the groups gnomAD compares: Admixed American, 0.27%; 1 homozygote.

Submissions (4):

CeGaT Center for Human Genetics Tuebingen
Classification: Likely benign. Last evaluated: 2026-05-01. Review status: criteria provided, single submitter. Criteria: CeGaT Center For Human Genetics Tuebingen Variant Classification Criteria Version 2. Collection method: clinical testing. Allele origin: germline. Affected: yes. Observed: 7 variant alleles.
Comment: MED13: BP4, BP7, BS1

Blueprint Genetics
Classification: Likely benign. Last evaluated: 2024-11-01. Review status: criteria provided, single submitter. Criteria: ACMG Guidelines, 2015. Collection method: clinical testing. Allele origin: germline.

Labcorp Genetics (formerly Invitae), Labcorp
Classification: Likely benign. Last evaluated: 2019-12-31. Review status: criteria provided, single submitter. Criteria: Invitae Variant Classification Sherloc (09022015). Collection method: clinical testing. Allele origin: germline.

PreventionGenetics, part of Exact Sciences
Classification: Likely benign for MED13-related condition. Last evaluated: 2023-12-05. Review status: no assertion criteria provided. Collection method: clinical testing. Allele origin: germline. Not counted in ClinVar's aggregate classification.
Comment: This variant is classified as likely benign based on ACMG/AMP sequence variant interpretation guidelines (Richards et al. 2015 PMID: 25741868, with internal and published modifications).

NM_005121.3(MED13):c.4959C>T (p.Asp1653=)

Gene: MED13 (mediator complex subunit 13; minus strand). Cytogenetic location: 17q23.2.
Variant type: single nucleotide variant.
Coding change: c.4959C>T on transcript NM_005121.3 (MANE Select); coding-DNA position 4959, C replaced by T.
Protein change: p.Asp1653=; no amino-acid change (aspartic acid 1653 retained).
Molecular consequence: synonymous variant.
Genome position (GRCh38, 1-based): chr17:61,962,857, G>A on the plus strand (C>T on the coding strand, the complement: MED13 is on the minus strand). VCF-style: chr17-61962857-G-A. GRCh37 (hg19) VCF-style: chr17-60040218-G-A.
Identifiers: ClinVar variation 782315 (VCV000782315.34), dbSNP rs186718351, ClinGen allele CA8692288.
Genomic context (GRCh38, chr17:61,962,857, plus strand): 5'-CATTTCTAGAAAGCATCGAAGTAGCCCCAATGTCCACACACTAGAAGAGTTAGTGCTCTC[G>A]TCTGTATTTTCGTATGTAAAAGGATCAATTATATAAACAACAATTGCAGGTGGATACGTG-3'
Protein context (NP_005112.2, residues 1643-1663): IIDPFTYENT[Asp1653=]ESTNSSSVWT